The following is an entry in ClinVar:

NM_031263.4(HNRNPK):c.364C>T (p.Gln122Ter)

Genes: HNRNPK (heterogeneous nuclear ribonucleoprotein K; minus strand), HNRNPK-AS1 (HNRNPK antisense RNA 1; plus strand). Cytogenetic location: 9q21.32.
Variant type: single nucleotide variant.
Coding change: c.364C>T on transcript NM_031263.4 (MANE Select); coding-DNA position 364, C replaced by T.
Protein change: p.Gln122Ter; replaces glutamine 122 with a stop codon.
Molecular consequence: nonsense. On other transcripts: intron variant (2).
Genome position (GRCh38, 1-based): chr9:83,973,940, G>A on the plus strand (C>T on the coding strand, the complement: HNRNPK is on the minus strand). VCF-style: chr9-83973940-G-A. GRCh37 (hg19) VCF-style: chr9-86588855-G-A.
Other names: c.364C>T, p.Gln122Ter (NM_001318188.2, NM_002140.5, NM_031262.4); c.331-541C>T (NM_001318186.2, NM_001318187.2); short protein forms Q122*.
Identifiers: ClinVar variation 1251920 (VCV001251920.1), dbSNP rs2133042086, ClinGen allele CA373928119.

ClinVar aggregate classification (germline): Likely pathogenic (1 of 4 stars; one submission).

Conditions:
Au-Kline syndrome. Also called: Okamoto syndrome; Neurodevelopmental disorder-craniofacial dysmorphism-cardiac defect-hip dysplasia syndrome due to a point mutation. Identifiers: Orphanet 2729, Orphanet 453499, Orphanet 453504, MedGen C4225274, MONDO:0014700, OMIM 616580.

Submission:

HudsonAlpha Institute for Biotechnology
Classification: Likely pathogenic for Au-Kline syndrome. Last evaluated: 2020-03-03. Review status: criteria provided, single submitter. Criteria: ACMG Guidelines, 2015. Collection method: research. Allele origin: unknown. Affected: yes. Observed: 1 variant allele. Study: HudsonAlpha-AGHI-WGS.
Comment: ACMG codes:PVS1, PM2